The following is an entry in ClinVar:

ClinVar aggregate classification (germline): Pathogenic (1 of 4 stars; one submission).

Conditions:
Hereditary cancer-predisposing syndrome. Also called: Neoplastic Syndromes, Hereditary; Tumor predisposition; Hereditary Cancer Syndrome; Hereditary neoplastic syndrome. Identifiers: Orphanet 140162, MedGen C0027672, MeSH D009386, MONDO:0015356.

Submission:

Ambry Genetics
Classification: Pathogenic for Hereditary cancer-predisposing syndrome. Last evaluated: 2017-10-04. Review status: criteria provided, single submitter. Criteria: Ambry Variant Classification Scheme 2023. Collection method: clinical testing. Allele origin: germline.
Comment: The c.1849_1850dupCT pathogenic mutation, located in coding exon 4 of the MSH6 gene, results from a duplication of CT at nucleotide position 1849, causing a translational frameshift with a predicted alternate stop codon (p.Q618Ffs*5). This alteration is expected to result in loss of function by premature protein truncation or nonsense-mediated mRNA decay. As such, this alteration is interpreted as a disease-causing mutation.

NM_000179.3(MSH6):c.1849_1850dup (p.Gln618fs)

Gene: MSH6 (mutS homolog 6; plus strand). Cytogenetic location: 2p16.3.
Variant type: Microsatellite.
Coding change: c.1849_1850dup on transcript NM_000179.3 (MANE Select); coding-DNA positions 1849 to 1850, 2 bases duplicated (CT; older notation c.1849_1850dupCT).
Protein change: p.Gln618fs; shifts the reading frame from glutamine 618.
Molecular consequence: frameshift variant.
Genome position (GRCh38, 1-based): chr2:47,799,832-47,799,833, CT duplicated; duplicating any 2 consecutive bases within chr2:47,799,829-47,799,833 gives the same sequence; the c. name uses the placement nearest the transcript's 3' end. VCF-style (leftmost placement, unchanged base first): chr2-47799828-T-TTC. GRCh37 (hg19) VCF-style: chr2-48026967-T-TTC.
Other names: c.1550_1551CT[3], p.Gln519Phefs (NM_001406822.1, NM_001406824.1, NM_001406825.1 and 10 more transcripts); c.941_942CT[3], p.Gln316Phefs (NM_001406823.1, NM_001406829.1, NM_001406811.1 and 4 more transcripts); c.1679_1680CT[3], p.Gln562Phefs (NM_001406826.1); c.1847_1848CT[3], p.Gln618Phefs (NM_000179.2, NM_001406796.1, NM_001406798.1 and 4 more transcripts); c.1459_1460dup, p.Gln488fs (NM_001281492.2); c.943_944dup, p.Gln316fs (NM_001281493.2, NM_001281494.2); c.1943_1944CT[3], p.Gln650Phefs (NM_001406795.1, NM_001406802.1); c.1322_1323CT[3], p.Gln443Phefs (NM_001406799.1, NM_001406806.1, NM_001406807.1); and 3 more; short protein forms Q618fs, Q488fs, Q316fs.
Identifiers: ClinVar variation 1781284 (VCV001781284.2), dbSNP rs2530633941, ClinGen allele CA2580611361.